The following is an entry in ClinVar:

ClinVar aggregate classification (germline): Uncertain significance. Review status: criteria provided, multiple submitters, no conflicts (2 of 4 stars). 4 submissions from 4 submitters: Uncertain significance (4). Last evaluated 2026-07-14.

Conditions:
Cardiovascular phenotype. Identifiers: MedGen CN230736.
Catecholaminergic polymorphic ventricular tachycardia 1. Also called: RYR2-Related Catecholaminergic Polymorphic Ventricular Tachycardia; VENTRICULAR TACHYCARDIA, CATECHOLAMINERGIC POLYMORPHIC, 1, WITH OR WITHOUT ATRIAL DYSFUNCTION AND/OR DILATED CARDIOMYOPATHY; VENTRICULAR TACHYCARDIA, STRESS-INDUCED POLYMORPHIC 1. Identifiers: Orphanet 3286, MedGen C1631597, MONDO:0011484, OMIM 604772.
Cardiomyopathy (CMYO). Also called: Cardiomyopathies. Identifiers: Orphanet 167848, MedGen C0878544, MONDO:0004994, HP:0001638. Inheritance: Various modes of inheritance.
Catecholaminergic polymorphic ventricular tachycardia (CVPT). Also called: Catecholamine-induced polymorphic ventricular tachycardia. Identifiers: Orphanet 3286, MedGen C5574922, MONDO:0017990.

Allele frequency attached by ClinVar (database versions not stated): gnomAD 0.00001; TOPMed 0.00001; gnomAD exomes below 0.00001.
gnomAD v4.1: 5 of 1,560,028 alleles (0.00032%); highest among the groups gnomAD compares: East Asian, 0.0024%; no homozygotes.

Submissions (4):

Ambry Genetics
Classification: Uncertain significance for Cardiovascular phenotype. Last evaluated: 2026-07-14. Review status: criteria provided, single submitter. Criteria: Ambry Variant Classification Scheme 2023. Collection method: clinical testing. Allele origin: germline.
Comment: The c.310A>T (p.T104S) alteration is located in exon 6 (coding exon 6) of the RYR2 gene. This alteration results from a A to T substitution at nucleotide position 310, causing the threonine (T) at amino acid position 104 to be replaced by a serine (S). Based on data from gnomAD, the T allele has an overall frequency of <0.001% (0/172064) total alleles studied. The highest observed frequency was <0.001% (/) of alleles. Based on insufficient or conflicting evidence, the clinical significance of this alteration remains unclear.

All of Us Research Program, National Institutes of Health
Classification: Uncertain significance for Catecholaminergic polymorphic ventricular tachycardia. Last evaluated: 2023-11-30. Review status: criteria provided, single submitter. Criteria: ACMG Guidelines, 2015. Collection method: clinical testing. Allele origin: germline. Inheritance: Autosomal dominant inheritance. Observed: 2 variant alleles, 2 heterozygotes.
Comment: Variant of Uncertain Significance due to insufficient evidence: This variant is located in the cytoplasmic domain of the RYR2 protein. Computational prediction tools and conservation analyses are inconclusive regarding the impact of this variant on the protein function. Computational splicing tools suggest that this variant may not impact RNA splicing. To our knowledge, functional assays have not been performed for this variant nor has this variant been reported in individuals affected with cardiovascular disorders in the literature. This variant is rare in the general population and has been identified in 0/277264 chromosomes by the Genome Aggregation Database (gnomAD). Available evidence is insufficient to determine the pathogenicity of this variant conclusively.

This study involves interpretation of variants in research participants for the purpose of population health screening. Participant phenotype was not available at the time of variant classification. Additional details can be found in publication PMID: 35346344, PMCID: PMC8962531

Labcorp Genetics (formerly Invitae), Labcorp
Classification: Uncertain significance for Catecholaminergic polymorphic ventricular tachycardia 1. Last evaluated: 2021-08-26. Review status: criteria provided, single submitter. Criteria: Invitae Variant Classification Sherloc (09022015). Collection method: clinical testing. Allele origin: germline.
Comment: This sequence change replaces threonine with serine at codon 104 of the RYR2 protein (p.Thr104Ser). The threonine residue is highly conserved and there is a small physicochemical difference between threonine and serine. This variant is not present in population databases (ExAC no frequency). This variant has not been reported in the literature in individuals affected with RYR2-related conditions. Algorithms developed to predict the effect of missense changes on protein structure and function output the following: SIFT: "Tolerated"; PolyPhen-2: "Benign"; Align-GVGD: "Class C0". The serine amino acid residue is found in multiple mammalian species, which suggests that this missense change does not adversely affect protein function. In summary, the available evidence is currently insufficient to determine the role of this variant in disease. Therefore, it has been classified as a Variant of Uncertain Significance.

Color Diagnostics, LLC DBA Color Health
Classification: Uncertain significance for Cardiomyopathy. Last evaluated: 2018-12-04. Review status: criteria provided, single submitter. Criteria: ACMG Guidelines, 2015. Collection method: clinical testing. Allele origin: germline.
Comment: Variant of Uncertain Significance due to insufficient evidence: This variant is located in the cytoplasmic domain of the RYR2 protein. Computational prediction tools and conservation analyses are inconclusive regarding the impact of this variant on the protein function. Computational splicing tools suggest that this variant may not impact RNA splicing. To our knowledge, functional assays have not been performed for this variant nor has this variant been reported in individuals affected with cardiovascular disorders in the literature. This variant is rare in the general population and has been identified in 0/277264 chromosomes by the Genome Aggregation Database (gnomAD). Available evidence is insufficient to determine the pathogenicity of this variant conclusively.

NM_001035.3(RYR2):c.310A>T (p.Thr104Ser)

Gene: RYR2 (ryanodine receptor 2; plus strand). Cytogenetic location: 1q43.
Variant type: single nucleotide variant.
Coding change: c.310A>T on transcript NM_001035.3 (MANE Select); coding-DNA position 310, A replaced by T.
Protein change: p.Thr104Ser; replaces threonine 104 with serine.
Molecular consequence: missense variant.
Genome position (GRCh38, 1-based): chr1:237,369,534, A>T. VCF-style: chr1-237369534-A-T. GRCh37 (hg19) VCF-style: chr1-237532834-A-T.
Other names: c.310A>T, p.Thr104Ser (LRG_402t1); short protein forms T104S.
Identifiers: ClinVar variation 404217 (VCV000404217.14), dbSNP rs1060500155, ClinGen allele CA16609984.
Genomic context (GRCh38, chr1:237,369,534, plus strand): 5'-GGTTAAGTTACTCTTTTGTGTTTTTCTCTCTTGTTCTCCTTTTTTCTCTTCTCTCTAAAG[A>T]CTGCTCAAGGTGGTGGTCATCGAACACTCCTCTACGGACATGCCATATTGCTGCGCCATT-3'
Protein context (NP_001026.2, residues 94-114): DVEKWKFMMK[Thr104Ser]AQGGGHRTLL